The following is an entry in ClinVar:

ClinVar aggregate classification (germline): Uncertain significance. Review status: criteria provided, multiple submitters, no conflicts (2 of 4 stars). 2 submissions from 2 submitters: Uncertain significance (2). Last evaluated 2024-02-24.

Conditions:
Osteosclerotic metaphyseal dysplasia (OSMD). Identifiers: Orphanet 500548, MedGen C3554665, MONDO:0014080, OMIM 615198.

Allele frequency attached by ClinVar (database versions not stated): gnomAD 0.00001; TOPMed 0.00001; ExAC 0.00004; gnomAD exomes 0.00004; ESP Exome Variant Server 0.00008.
gnomAD v4.1: 55 of 1,588,974 alleles (0.0035%); highest among the groups gnomAD compares: South Asian, 0.013%; no homozygotes.

Submissions (2):

Labcorp Genetics (formerly Invitae), Labcorp
Classification: Uncertain significance. Last evaluated: 2024-02-24. Review status: criteria provided, single submitter. Criteria: Invitae Variant Classification Sherloc (09022015). Collection method: clinical testing. Allele origin: germline.
Comment: This sequence change replaces arginine, which is basic and polar, with cysteine, which is neutral and slightly polar, at codon 1438 of the LRRK1 protein (p.Arg1438Cys). This variant is present in population databases (rs199787324, gnomAD 0.01%). This variant has not been reported in the literature in individuals affected with LRRK1-related conditions. ClinVar contains an entry for this variant (Variation ID: 1443819). An algorithm developed to predict the effect of missense changes on protein structure and function (PolyPhen-2) suggests that this variant is likely to be disruptive. In summary, the available evidence is currently insufficient to determine the role of this variant in disease. Therefore, it has been classified as a Variant of Uncertain Significance.

Neuberg Centre For Genomic Medicine, NCGM
Classification: Uncertain significance for Osteosclerotic metaphyseal dysplasia. Review status: criteria provided, single submitter. Criteria: ACMG Guidelines, 2015. Collection method: clinical testing. Allele origin: germline. Inheritance: Autosomal recessive inheritance. Affected: yes.
Comment: The observed missense variant c.4312C>T(p.Arg1438Cys) in the LRRK1 gene has not been reported previously as a pathogenic variant nor as a benign variant, to our knowledge. This variant is reported with the allele frequency 0.004% in the gnomAD Exomes. The amino acid Arg at position 1438 is changed to a Cys changing protein sequence and it might alter its composition and physico-chemical properties. Multiple lines of computational evidence (Polyphen - Damaging, SIFT - Damaging and MutationTaster - Disease causing) predict a damaging effect on protein structure and function for this variant. The residue is conserved by GERP++ and PhyloP across 100 vertebrates. For these reasons, this variant has been classified as Uncertain Significance. In the absence of another reportable variant, the molecular diagnosis is not confirmed.

NM_024652.6(LRRK1):c.4312C>T (p.Arg1438Cys)

Genes: LRRK1 (leucine rich repeat kinase 1; plus strand), LRRK1-AS1 (LRRK1 antisense RNA 1; minus strand). Cytogenetic location: 15q26.3.
Variant type: single nucleotide variant.
Coding change: c.4312C>T on transcript NM_024652.6 (MANE Select); coding-DNA position 4312, C replaced by T.
Protein change: p.Arg1438Cys; replaces arginine 1438 with cysteine.
Molecular consequence: missense variant.
Genome position (GRCh38, 1-based): chr15:101,055,203, C>T. VCF-style: chr15-101055203-C-T. GRCh37 (hg19) VCF-style: chr15-101595408-C-T.
Other names: short protein forms R1438C.
Identifiers: ClinVar variation 1443819 (VCV001443819.6), dbSNP rs199787324, ClinGen allele CA7761792.